The following is an entry in ClinVar:

ClinVar aggregate classification (germline): Pathogenic/Likely pathogenic. Review status: criteria provided, multiple submitters, no conflicts (2 of 4 stars). 2 submissions from 2 submitters: Pathogenic (1); Likely pathogenic (1). Last evaluated 2024-12-04.

Conditions:
Bardet-Biedl syndrome 16 (BBS16). Identifiers: Orphanet 110, MedGen C3889474, MONDO:0014444, OMIM 615993.
Senior-Loken syndrome 7 (SLSN7). Identifiers: Orphanet 3156, MedGen C3150877, MONDO:0013326, OMIM 613615.

Allele frequency attached by ClinVar (database versions not stated): ExAC 0.00002.
gnomAD v4.1: 6 of 1,614,012 alleles (0.00037%); highest among the groups gnomAD compares: South Asian, 0.0066%; no homozygotes.

Submissions (2):

Labcorp Genetics (formerly Invitae), Labcorp
Classification: Pathogenic for Bardet-Biedl syndrome 16; Senior-Loken syndrome 7. Last evaluated: 2024-12-04. Review status: criteria provided, single submitter. Criteria: Invitae Variant Classification Sherloc (09022015). Collection method: clinical testing. Allele origin: germline.
Comment: This sequence change creates a premature translational stop signal (p.Glu175*) in the SDCCAG8 gene. It is expected to result in an absent or disrupted protein product. Loss-of-function variants in SDCCAG8 are known to be pathogenic (PMID: 20835237, 22190896). This variant is present in population databases (rs767375284, gnomAD 0.006%). This variant has not been reported in the literature in individuals affected with SDCCAG8-related conditions. ClinVar contains an entry for this variant (Variation ID: 1909369). Algorithms developed to predict the effect of sequence changes on RNA splicing suggest that this variant may disrupt the consensus splice site. For these reasons, this variant has been classified as Pathogenic.

Fulgent Genetics
Classification: Likely pathogenic for Senior-Loken syndrome 7; Bardet-Biedl syndrome 16. Last evaluated: 2024-05-21. Review status: criteria provided, single submitter. Criteria: ACMG Guidelines, 2015. Collection method: clinical testing. Allele origin: germline.

Literature cited by the submitters: PubMed 20835237 (cited by Labcorp Genetics (formerly Invitae), Labcorp); PubMed 22190896 (cited by Labcorp Genetics (formerly Invitae), Labcorp).

NM_006642.5(SDCCAG8):c.523G>T (p.Glu175Ter)

Gene: SDCCAG8 (SHH signaling and ciliogenesis regulator SDCCAG8; plus strand). Cytogenetic location: 1q43.
Variant type: single nucleotide variant.
Coding change: c.523G>T on transcript NM_006642.5 (MANE Select); coding-DNA position 523, G replaced by T.
Protein change: p.Glu175Ter; replaces glutamic acid 175 with a stop codon.
Molecular consequence: nonsense. On other transcripts: 5 prime UTR variant (3).
Genome position (GRCh38, 1-based): chr1:243,286,374, G>T. VCF-style: chr1-243286374-G-T. GRCh37 (hg19) VCF-style: chr1-243449676-G-T.
Other names: c.-590G>T (NM_001350246.2); c.-478G>T (NM_001350247.2); c.523G>T, p.Glu175Ter (NM_001350248.2); c.229G>T, p.Glu77Ter (NM_001350249.2); c.-851G>T (NM_001350251.2); short protein forms E175*, E77*.
Identifiers: ClinVar variation 1909369 (VCV001909369.6), dbSNP rs767375284, ClinGen allele CA1483328.